The following is an entry in ClinVar:

NM_000883.4(IMPDH1):c.1636A>G (p.Ile546Val)

Gene: IMPDH1 (inosine monophosphate dehydrogenase 1; minus strand). Cytogenetic location: 7q32.1.
Variant type: single nucleotide variant.
Coding change: c.1636A>G on transcript NM_000883.4 (MANE Select); coding-DNA position 1636, A replaced by G.
Protein change: p.Ile546Val; replaces isoleucine 546 with valine.
Molecular consequence: missense variant.
Genome position (GRCh38, 1-based): chr7:128,394,514, T>C on the plus strand (A>G on the coding strand, the complement: IMPDH1 is on the minus strand). VCF-style: chr7-128394514-T-C. GRCh37 (hg19) VCF-style: chr7-128034568-T-C.
Other names: c.1606A>G, p.Ile536Val (NM_001102605.2); c.1381A>G, p.Ile461Val (NM_001142573.2); c.1366A>G, p.Ile456Val (NM_001142574.2); c.1306A>G, p.Ile436Val (NM_001142575.2); c.1537A>G, p.Ile513Val (NM_001142576.2); c.1429A>G, p.Ile477Val (NM_001304521.2); c.1528A>G, p.Ile510Val (NM_183243.3); short protein forms I536V, I513V, I436V, I510V, I546V, I456V, I461V, I477V.
Identifiers: ClinVar variation 1511918 (VCV001511918.6), dbSNP rs1797769213, ClinGen allele CA369162100.

ClinVar aggregate classification (germline): Uncertain significance (1 of 4 stars; one submission).

Allele frequency attached by ClinVar (database versions not stated): gnomAD 0.00001.
gnomAD v4.1: 1 of 1,613,708 alleles (0.000062%); highest among the groups gnomAD compares: South Asian, 0.0011%; no homozygotes.

Submission:

Labcorp Genetics (formerly Invitae), Labcorp
Classification: Uncertain significance. Last evaluated: 2021-10-14. Review status: criteria provided, single submitter. Criteria: Invitae Variant Classification Sherloc (09022015). Collection method: clinical testing. Allele origin: germline.
Comment: In summary, the available evidence is currently insufficient to determine the role of this variant in disease. Therefore, it has been classified as a Variant of Uncertain Significance. This variant has not been reported in the literature in individuals affected with IMPDH1-related conditions. This variant is not present in population databases (ExAC no frequency). This sequence change replaces isoleucine with valine at codon 546 of the IMPDH1 protein (p.Ile546Val). The isoleucine residue is highly conserved and there is a small physicochemical difference between isoleucine and valine. Algorithms developed to predict the effect of missense changes on protein structure and function (SIFT, PolyPhen-2, Align-GVGD) all suggest that this variant is likely to be tolerated.